The following is an entry in ClinVar:

NM_021813.4(BACH2):c.1309G>A (p.Ala437Thr)

Gene: BACH2 (BACH transcriptional regulator 2; minus strand). Cytogenetic location: 6q15.
Variant type: single nucleotide variant.
Coding change: c.1309G>A on transcript NM_021813.4 (MANE Select); coding-DNA position 1309, G replaced by A.
Protein change: p.Ala437Thr; replaces alanine 437 with threonine.
Molecular consequence: missense variant.
Genome position (GRCh38, 1-based): chr6:89,950,797, C>T on the plus strand (G>A on the coding strand, the complement: BACH2 is on the minus strand). VCF-style: chr6-89950797-C-T. GRCh37 (hg19) VCF-style: chr6-90660516-C-T.
Other names: c.1309G>A, p.Ala437Thr (NM_001170794.2); c.1309G>A (NM_021813.2); short protein forms A437T.
Identifiers: ClinVar variation 1050579 (VCV001050579.10), dbSNP rs147349828, ClinGen allele CA3928011.
Genomic context (GRCh38, chr6:89,950,797, plus strand): 5'-CTTTGTCCAAACTGCTCACCCCAGAATAAGAATGCACCGAGGTGCTCACTTGGTCACAAG[C>T]GCTGGAGGAGAAGATCACGCTCCTCCGGTCCAGCTCTCCCTCCTGTTTACAGAGAGCCTC-3'
Protein context (NP_068585.1, residues 427-447): DRRSVIFSSS[Ala437Thr]CDQVSTSVHS

ClinVar aggregate classification (germline): Conflicting classifications of pathogenicity. Review status: criteria provided, conflicting classifications (1 of 4 stars). 3 submissions from 3 submitters: Uncertain significance (1); Likely benign (1). 1 of the submissions does not count toward it. Last evaluated 2025-12-01.

Allele frequency attached by ClinVar (database versions not stated): TOPMed 0.00008; gnomAD 0.00009; ExAC 0.00010; gnomAD exomes 0.00012 and 0.00014; ESP Exome Variant Server 0.00015.
gnomAD v4.1: 192 of 1,614,174 alleles (0.012%); highest among the groups gnomAD compares: Admixed American, 0.038%; no homozygotes.

Submissions (3):

Labcorp Genetics (formerly Invitae), Labcorp
Classification: Uncertain significance. Last evaluated: 2025-12-01. Review status: criteria provided, single submitter. Criteria: Invitae Variant Classification Sherloc (09022015). Collection method: clinical testing. Allele origin: germline.
Comment: This sequence change replaces alanine, which is neutral and non-polar, with threonine, which is neutral and polar, at codon 437 of the BACH2 protein (p.Ala437Thr). This variant is present in population databases (rs147349828, gnomAD 0.05%), and has an allele count higher than expected for a pathogenic variant. This variant has not been reported in the literature in individuals affected with BACH2-related conditions. ClinVar contains an entry for this variant (Variation ID: 1050579). Invitae Evidence Modeling of protein sequence and biophysical properties (such as structural, functional, and spatial information, amino acid conservation, physicochemical variation, residue mobility, and thermodynamic stability) indicates that this missense variant is not expected to disrupt BACH2 protein function with a negative predictive value of 80%. In summary, the available evidence is currently insufficient to determine the role of this variant in disease. Therefore, it has been classified as a Variant of Uncertain Significance.

Ambry Genetics
Classification: Likely benign. Last evaluated: 2024-06-28. Review status: criteria provided, single submitter. Criteria: Ambry Variant Classification Scheme 2023. Collection method: clinical testing. Allele origin: germline.

Department of Pathology and Laboratory Medicine, Sinai Health System
Classification: Uncertain significance. Review status: no assertion criteria provided. Collection method: clinical testing. Allele origin: unknown. Affected: yes. Study: The Canadian Open Genetics Repository (COGR). Not counted in ClinVar's aggregate classification.
Comment: The BACH2 p.Ala437Thr variant was not identified in the literature nor was it identified in ClinVar. The variant was identified in dbSNP (ID: rs147349828) and in control databases in 37 of 279642 chromosomes at a frequency of 0.0001323 (Genome Aggregation Database March 6, 2019, v2.1.1). The variant was observed in the following populations: Latino in 17 of 35402 chromosomes (freq: 0.00048), Other in 2 of 7192 chromosomes (freq: 0.000278), European (non-Finnish) in 16 of 126438 chromosomes (freq: 0.000127), East Asian in 1 of 19920 chromosomes (freq: 0.00005) and South Asian in 1 of 30614 chromosomes (freq: 0.000033), but was not observed in the African, Ashkenazi Jewish, or European (Finnish) populations. The p.Ala437 residue is conserved in mammals and computational analyses (PolyPhen-2, SIFT, AlignGVGD, BLOSUM, MutationTaster) provide inconsistent predictions regarding the impact to the protein; this information is not very predictive of pathogenicity. The variant occurs outside of the splicing consensus sequence and in silico or computational prediction software programs (SpliceSiteFinder, MaxEntScan, NNSPLICE, GeneSplicer) do not predict a difference in splicing. In summary, based on the above information the clinical significance of this variant cannot be determined with certainty at this time. This variant is classified as a variant of uncertain significance.